The following is an entry in ClinVar:

NM_000038.6(APC):c.394G>T (p.Gly132Ter)

Gene: APC (APC regulator of Wnt signaling pathway; plus strand). Cytogenetic location: 5q22.2.
Variant type: single nucleotide variant.
Coding change: c.394G>T on transcript NM_000038.6 (MANE Select); coding-DNA position 394, G replaced by T.
Protein change: p.Gly132Ter; replaces glycine 132 with a stop codon.
Molecular consequence: nonsense. On other transcripts: 5 prime UTR variant (4), non-coding transcript variant (2).
Genome position (GRCh38, 1-based): chr5:112,767,362, G>T. VCF-style: chr5-112767362-G-T. GRCh37 (hg19) VCF-style: chr5-112103059-G-T.
Other names: c.394G>T, p.Gly132Ter (NM_001127510.3, NM_001354895.2, NM_001354896.2 and 16 more transcripts); c.424G>T, p.Gly142Ter (NM_001127511.3, NM_001354897.2, NM_001354902.2 and 1 more transcripts); c.319G>T, p.Gly107Ter (NM_001354898.2, NM_001354904.2, NM_001407451.1); c.217G>T, p.Gly73Ter (NM_001354900.2, NM_001354901.2, NM_001354905.2 and 1 more transcripts); c.-642G>T (NM_001354906.2, NM_001407470.1, NM_001407471.1 and 1 more transcripts); short protein forms G107*, G132*, G142*, G73*.
Identifiers: ClinVar variation 2583905 (VCV002583905.2), dbSNP rs1580329638, ClinGen allele CA16022180.
Genomic context (GRCh38, chr5:112,767,362, plus strand): 5'-CCTGTTCCTATGGGTTCATTTCCAAGAAGAGGGTTTGTAAATGGAAGCAGAGAAAGTACT[G>T]GATATTTAGAAGAACTTGAGAAAGAGAGGTAACTTTTCTTCATATAGTAAACATTGCCTT-3'

ClinVar aggregate classification (germline): Pathogenic (1 of 4 stars; one submission).

Conditions:
Familial adenomatous polyposis 1 (FAP1). Also called: FAMILIAL ADENOMATOUS POLYPOSIS 1, ATTENUATED; POLYPOSIS, ADENOMATOUS INTESTINAL. Identifiers: MedGen C2713442, MONDO:0021056, OMIM 175100. Disease mechanism: loss of function.

Submission:

Myriad Genetics, Inc.
Classification: Pathogenic for Familial adenomatous polyposis 1. Last evaluated: 2023-04-25. Review status: criteria provided, single submitter. Criteria: Myriad Autosomal Dominant, Autosomal Recessive and X-Linked Classification Criteria (2023). Collection method: clinical testing. Allele origin: unknown.
Comment: This variant is considered pathogenic. This variant creates a termination codon and is predicted to result in premature protein truncation.